The following is an entry in ClinVar:

NM_015721.3(GEMIN4):c.2974A>G (p.Met992Val)

Gene: GEMIN4 (gem nuclear organelle associated protein 4; minus strand). Cytogenetic location: 17p13.3.
Variant type: single nucleotide variant.
Coding change: c.2974A>G on transcript NM_015721.3 (MANE Select); coding-DNA position 2974, A replaced by G.
Protein change: p.Met992Val; replaces methionine 992 with valine.
Molecular consequence: missense variant.
Genome position (GRCh38, 1-based): chr17:745,069, T>C on the plus strand (A>G on the coding strand, the complement: GEMIN4 is on the minus strand). VCF-style: chr17-745069-T-C. GRCh37 (hg19) VCF-style: chr17-648309-T-C.
Other names: short protein forms M992V.
Identifiers: ClinVar variation 734199 (VCV000734199.25), dbSNP rs114237735, ClinGen allele CA8262324.
Genomic context (GRCh38, chr17:745,069, plus strand): 5'-AGCAGGTGAGGGTTTCCAAGGCTAAAACGTAGAGTGGCTCACAGACCTCCGGGTGGAGCA[T>C]GGCCATGATGTGCAGAGCATGGCAGAACACCTGGGTGTAAACAAACAGGGCTTCCTGGGT-3'
Protein context (NP_056536.2, residues 982-1002): VFCHALHIMA[Met992Val]LHPEVCEPLY

ClinVar aggregate classification (germline): Benign/Likely benign. Review status: criteria provided, multiple submitters, no conflicts (2 of 4 stars). 3 submissions from 3 submitters: Benign (1); Likely benign (2). Last evaluated 2026-06-01.

Allele frequency attached by ClinVar (database versions not stated): gnomAD exomes 0.00028 and 0.00083; ExAC 0.00085; ESP Exome Variant Server 0.00289; gnomAD 0.00311 and 0.00337; TOPMed 0.00336; 1000 Genomes Project 0.00379; 1000 Genomes Project 30x 0.00437.
gnomAD v4.1: 902 of 1,613,690 alleles (0.056%); highest among the groups gnomAD compares: African/African-American, 1.1%; 4 homozygotes.

Submissions (3):

CeGaT Center for Human Genetics Tuebingen
Classification: Likely benign. Last evaluated: 2026-06-01. Review status: criteria provided, single submitter. Criteria: CeGaT Center For Human Genetics Tuebingen Variant Classification Criteria Version 2. Collection method: clinical testing. Allele origin: germline. Affected: yes. Observed: 2 variant alleles.
Comment: GEMIN4: BP4, BS1

Blueprint Genetics
Classification: Likely benign. Last evaluated: 2024-08-26. Review status: criteria provided, single submitter. Criteria: ACMG Guidelines, 2015. Collection method: clinical testing. Allele origin: germline.

Labcorp Genetics (formerly Invitae), Labcorp
Classification: Benign. Last evaluated: 2019-12-31. Review status: criteria provided, single submitter. Criteria: Invitae Variant Classification Sherloc (09022015). Collection method: clinical testing. Allele origin: germline.